The following is an entry in ClinVar:

NM_182914.3(SYNE2):c.7469T>G (p.Val2490Gly)

Gene: SYNE2 (spectrin repeat containing nuclear envelope protein 2; plus strand). Cytogenetic location: 14q23.2.
Variant type: single nucleotide variant.
Coding change: c.7469T>G on transcript NM_182914.3 (MANE Select); coding-DNA position 7469, T replaced by G.
Protein change: p.Val2490Gly; replaces valine 2490 with glycine.
Molecular consequence: missense variant.
Genome position (GRCh38, 1-based): chr14:64,049,702, T>G. VCF-style: chr14-64049702-T-G. GRCh37 (hg19) VCF-style: chr14-64516420-T-G.
Other names: c.7469T>G, p.Val2490Gly (NM_015180.6); short protein forms V2490G.
Identifiers: ClinVar variation 313532 (VCV000313532.18), dbSNP rs34393543, ClinGen allele CA7220943.

ClinVar aggregate classification (germline): Benign/Likely benign. Review status: criteria provided, multiple submitters, no conflicts (2 of 4 stars). 5 submissions from 5 submitters: Benign (3); Likely benign (2). Last evaluated 2026-08-01.

Conditions:
Emery-Dreifuss muscular dystrophy 5, autosomal dominant (EDMD5). Also called: EMERY-DREIFUSS MUSCULAR DYSTROPHY 5. Identifiers: Orphanet 261, MedGen C2751805, MONDO:0013072, OMIM 612999.

Allele frequency attached by ClinVar (database versions not stated): gnomAD exomes 0.00033 and 0.00085; ExAC 0.00097; ESP Exome Variant Server 0.00353; gnomAD 0.00373 and 0.00399; 1000 Genomes Project 0.00419; TOPMed 0.00425; 1000 Genomes Project 30x 0.00515.
gnomAD v4.1: 1,087 of 1,614,194 alleles (0.067%); highest among the groups gnomAD compares: African/African-American, 1.3%; 4 homozygotes.

Submissions (5):

CeGaT Center for Human Genetics Tuebingen
Classification: Likely benign. Last evaluated: 2026-08-01. Review status: criteria provided, single submitter. Criteria: CeGaT Center For Human Genetics Tuebingen Variant Classification Criteria Version 2. Collection method: clinical testing. Allele origin: germline. Affected: yes. Observed: 1 variant allele.
Comment: SYNE2: BP4, BS1

Labcorp Genetics (formerly Invitae), Labcorp
Classification: Benign for Emery-Dreifuss muscular dystrophy 5, autosomal dominant. Last evaluated: 2026-01-24. Review status: criteria provided, single submitter. Criteria: Invitae Variant Classification Sherloc (09022015). Collection method: clinical testing. Allele origin: germline.

Blueprint Genetics
Classification: Likely benign. Last evaluated: 2024-10-22. Review status: criteria provided, single submitter. Criteria: ACMG Guidelines, 2015. Collection method: clinical testing. Allele origin: germline.

Illumina Laboratory Services, Illumina
Classification: Benign for Emery-Dreifuss muscular dystrophy 5, autosomal dominant. Last evaluated: 2018-01-13. Review status: criteria provided, single submitter. Criteria: ICSL Variant Classification Criteria 13 December 2019. Collection method: clinical testing. Allele origin: germline.
Comment: This variant was observed in the ICSL laboratory as part of a predisposition screen in an ostensibly healthy population. It had not been previously curated by ICSL or reported in the Human Gene Mutation Database (HGMD: prior to June 1st, 2018), and was therefore a candidate for classification through an automated scoring system. Utilizing variant allele frequency, disease prevalence and penetrance estimates, and inheritance mode, an automated score was calculated to assess if this variant is too frequent to cause the disease. Based on the score and internal cut-off values, a variant classified as benign is not then subjected to further curation. The score for this variant resulted in a classification of benign for this disease.

Breakthrough Genomics
Classification: Benign. Review status: criteria provided, single submitter. Criteria: ACMG Guidelines, 2015. Collection method: not provided. Allele origin: germline. Inheritance: Autosomal dominant inheritance. Affected: yes.